The following is an entry in ClinVar:

NM_002087.4(GRN):c.981G>A (p.Thr327=)

Gene: GRN (granulin precursor; plus strand). Cytogenetic location: 17q21.31.
Variant type: single nucleotide variant.
Coding change: c.981G>A on transcript NM_002087.4 (MANE Select); coding-DNA position 981, G replaced by A.
Protein change: p.Thr327=; no amino-acid change (threonine 327 retained).
Molecular consequence: synonymous variant.
Genome position (GRCh38, 1-based): chr17:44,351,597, G>A. VCF-style: chr17-44351597-G-A. GRCh37 (hg19) VCF-style: chr17-42428965-G-A.
Identifiers: ClinVar variation 1553674 (VCV001553674.18), dbSNP rs145655086, ClinGen allele CA8602081.

ClinVar aggregate classification (germline): Likely benign. Review status: criteria provided, multiple submitters, no conflicts (2 of 4 stars). 2 submissions from 2 submitters: Likely benign (2). Last evaluated 2026-07-01.

Conditions:
GRN-related frontotemporal lobar degeneration with Tdp43 inclusions (FTD2). Also called: DEMENTIA, HEREDITARY DYSPHASIC DISINHIBITION; FRONTOTEMPORAL LOBAR DEGENERATION WITH UBIQUITIN-POSITIVE INCLUSIONS; FTLD-TDP, GRN-RELATED; GRN Frontotemporal Dementia; FRONTOTEMPORAL DEMENTIA WITH TDP43 INCLUSIONS, GRN-RELATED. Identifiers: Orphanet 100070, Orphanet 282, MedGen C1843792, MONDO:0011842, OMIM 607485. Disease mechanism: loss of function.
Neuronal ceroid lipofuscinosis 11. Also called: GRN-Related Neuronal Ceroid-Lipofuscinosis. Identifiers: Orphanet 314629, Orphanet 79262, MedGen C3539123, MONDO:0013866, OMIM 614706.

Allele frequency attached by ClinVar (database versions not stated): ESP Exome Variant Server 0.00038; gnomAD 0.00040 and 0.00041; 1000 Genomes Project 0.00060; 1000 Genomes Project 30x 0.00062.
gnomAD v4.1: 113 of 1,614,026 alleles (0.007%); highest among the groups gnomAD compares: African/African-American, 0.11%; no homozygotes.

Submissions (2):

CeGaT Center for Human Genetics Tuebingen
Classification: Likely benign. Last evaluated: 2026-07-01. Review status: criteria provided, single submitter. Criteria: CeGaT Center For Human Genetics Tuebingen Variant Classification Criteria Version 2. Collection method: clinical testing. Allele origin: germline. Affected: yes. Observed: 2 variant alleles.
Comment: GRN: BP4, BP7

Labcorp Genetics (formerly Invitae), Labcorp
Classification: Likely benign for Neuronal ceroid lipofuscinosis 11; GRN-related frontotemporal lobar degeneration with Tdp43 inclusions. Last evaluated: 2025-09-17. Review status: criteria provided, single submitter. Criteria: Invitae Variant Classification Sherloc (09022015). Collection method: clinical testing. Allele origin: germline.